The following is an entry in ClinVar:

ClinVar aggregate classification (germline): Uncertain significance (1 of 4 stars; one submission).

gnomAD v4.1: 23 of 1,613,984 alleles (0.0014%); highest among the groups gnomAD compares: Non-Finnish European, 0.0016%; no homozygotes.

Submission:

Labcorp Genetics (formerly Invitae), Labcorp
Classification: Uncertain significance. Last evaluated: 2024-04-04. Review status: criteria provided, single submitter. Criteria: Invitae Variant Classification Sherloc (09022015). Collection method: clinical testing. Allele origin: germline.
Comment: This sequence change replaces leucine, which is neutral and non-polar, with proline, which is neutral and non-polar, at codon 61 of the ANKZF1 protein (p.Leu61Pro). This variant is present in population databases (rs528694620, gnomAD 0.004%). This variant has not been reported in the literature in individuals affected with ANKZF1-related conditions. Algorithms developed to predict the effect of missense changes on protein structure and function output the following: SIFT: "Not Available"; PolyPhen-2: "Benign"; Align-GVGD: "Not Available". The proline amino acid residue is found in multiple mammalian species, which suggests that this missense change does not adversely affect protein function. In summary, the available evidence is currently insufficient to determine the role of this variant in disease. Therefore, it has been classified as a Variant of Uncertain Significance.

NM_018089.3(ANKZF1):c.182T>C (p.Leu61Pro)

Gene: ANKZF1 (ankyrin repeat and zinc finger peptidyl tRNA hydrolase 1; plus strand). Cytogenetic location: 2q35.
Variant type: single nucleotide variant.
Coding change: c.182T>C on transcript NM_018089.3 (MANE Select); coding-DNA position 182, T replaced by C.
Protein change: p.Leu61Pro; replaces leucine 61 with proline.
Molecular consequence: missense variant. On other transcripts: intron variant (1).
Genome position (GRCh38, 1-based): chr2:219,231,961, T>C. VCF-style: chr2-219231961-T-C. GRCh37 (hg19) VCF-style: chr2-220096683-T-C.
Other names: c.182T>C, p.Leu61Pro (NM_001042410.2); c.-266-529T>C (NM_001282792.2); short protein forms L61P.
Identifiers: ClinVar variation 3696585 (VCV003696585.2).